The following is an entry in ClinVar:

ClinVar aggregate classification (germline): Uncertain significance (1 of 4 stars; one submission).

Conditions:
Inborn genetic diseases. Identifiers: MedGen C0950123, MeSH D030342.

Submission:

Ambry Genetics
Classification: Uncertain significance for Inborn genetic diseases. Last evaluated: 2025-02-16. Review status: criteria provided, single submitter. Criteria: Ambry Variant Classification Scheme 2023. Collection method: clinical testing. Allele origin: germline.
Comment: The p.P698T variant (also known as c.2092C>A), located in coding exon 12 of the BMPR2 gene, results from a C to A substitution at nucleotide position 2092. The proline at codon 698 is replaced by threonine, an amino acid with highly similar properties. This amino acid position is conserved. In addition, the in silico prediction for this alteration is inconclusive. Based on the available evidence, the clinical significance of this variant remains unclear.

NM_001204.7(BMPR2):c.2092C>A (p.Pro698Thr)

Gene: BMPR2 (bone morphogenetic protein receptor type 2; plus strand). Cytogenetic location: 2q33.2.
Variant type: single nucleotide variant.
Coding change: c.2092C>A on transcript NM_001204.7 (MANE Select); coding-DNA position 2092, C replaced by A.
Protein change: p.Pro698Thr; replaces proline 698 with threonine.
Molecular consequence: missense variant.
Genome position (GRCh38, 1-based): chr2:202,555,757, C>A. VCF-style: chr2-202555757-C-A. GRCh37 (hg19) VCF-style: chr2-203420480-C-A.
Other names: short protein forms P698T.
Identifiers: ClinVar variation 3824912 (VCV003824912.1).